The following is an entry in ClinVar:

NM_001083116.3(PRF1):c.1041C>T (p.His347=)

Gene: PRF1 (perforin 1; minus strand). Cytogenetic location: 10q22.1.
Variant type: single nucleotide variant.
Coding change: c.1041C>T on transcript NM_001083116.3 (MANE Select); coding-DNA position 1041, C replaced by T.
Protein change: p.His347=; no amino-acid change (histidine 347 retained).
Molecular consequence: synonymous variant.
Genome position (GRCh38, 1-based): chr10:70,598,680, G>A on the plus strand (C>T on the coding strand, the complement: PRF1 is on the minus strand). VCF-style: chr10-70598680-G-A. GRCh37 (hg19) VCF-style: chr10-72358436-G-A.
Other names: p.His347=; c.1041C>T, p.His347= (NM_005041.6).
Identifiers: ClinVar variation 785320 (VCV000785320.15), dbSNP rs150104693, ClinGen allele CA5538842.

ClinVar aggregate classification (germline): Benign/Likely benign. Review status: criteria provided, multiple submitters, no conflicts (2 of 4 stars). 4 submissions from 4 submitters: Benign (1); Likely benign (2). 1 of the submissions does not count toward it. Last evaluated 2026-01-26.

Conditions:
PRF1-related disorder. Also called: PRF1-related condition.
Familial hemophagocytic lymphohistiocytosis 2 (FHL2). Also called: PRF1-Related Familial Hemophagocytic Lymphohistiocytosis (PRF1-fHLH). Identifiers: Orphanet 540, MedGen C1863727, MONDO:0011337, OMIM 603553.

Allele frequency attached by ClinVar (database versions not stated): gnomAD exomes 0.00013 and 0.00045; ExAC 0.00050; 1000 Genomes Project 30x 0.00078; 1000 Genomes Project 0.00080; ESP Exome Variant Server 0.00138; TOPMed 0.00167.

Submissions (4):

Labcorp Genetics (formerly Invitae), Labcorp
Classification: Benign for Familial hemophagocytic lymphohistiocytosis 2. Last evaluated: 2026-01-26. Review status: criteria provided, single submitter. Criteria: Invitae Variant Classification Sherloc (09022015). Collection method: clinical testing. Allele origin: germline.

Mayo Clinic Laboratories, Mayo Clinic
Classification: Likely benign. Last evaluated: 2025-10-22. Review status: criteria provided, single submitter. Criteria: ACMG Guidelines, 2015. Collection method: clinical testing. Allele origin: germline. Observed: 2 variant alleles.
Comment: BS1, BP4, BP7

Blueprint Genetics
Classification: Likely benign. Last evaluated: 2023-06-20. Review status: criteria provided, single submitter. Criteria: ACMG Guidelines, 2015. Collection method: clinical testing. Allele origin: germline.

PreventionGenetics, part of Exact Sciences
Classification: Likely benign for PRF1-related condition. Last evaluated: 2020-06-17. Review status: no assertion criteria provided. Collection method: clinical testing. Allele origin: germline. Not counted in ClinVar's aggregate classification.
Comment: This variant is classified as likely benign based on ACMG/AMP sequence variant interpretation guidelines (Richards et al. 2015 PMID: 25741868, with internal and published modifications).